The following is an entry in ClinVar:

ClinVar aggregate classification (germline): Uncertain significance (1 of 4 stars; one submission).

Submission:

Labcorp Genetics (formerly Invitae), Labcorp
Classification: Uncertain significance. Last evaluated: 2022-05-27. Review status: criteria provided, single submitter. Criteria: Invitae Variant Classification Sherloc (09022015). Collection method: clinical testing. Allele origin: germline.
Comment: This sequence change replaces aspartic acid, which is acidic and polar, with valine, which is neutral and non-polar, at codon 626 of the ATR protein (p.Asp626Val). This variant is not present in population databases (gnomAD no frequency). This variant has not been reported in the literature in individuals affected with ATR-related conditions. Algorithms developed to predict the effect of missense changes on protein structure and function (SIFT, PolyPhen-2, Align-GVGD) all suggest that this variant is likely to be tolerated. In summary, the available evidence is currently insufficient to determine the role of this variant in disease. Therefore, it has been classified as a Variant of Uncertain Significance.

NM_001184.4(ATR):c.1877A>T (p.Asp626Val)

Gene: ATR (ATR checkpoint kinase; minus strand). Cytogenetic location: 3q23.
Variant type: single nucleotide variant.
Coding change: c.1877A>T on transcript NM_001184.4 (MANE Select); coding-DNA position 1877, A replaced by T.
Protein change: p.Asp626Val; replaces aspartic acid 626 with valine.
Molecular consequence: missense variant.
Genome position (GRCh38, 1-based): chr3:142,558,632, T>A on the plus strand (A>T on the coding strand, the complement: ATR is on the minus strand). VCF-style: chr3-142558632-T-A. GRCh37 (hg19) VCF-style: chr3-142277474-T-A.
Other names: c.1685A>T, p.Asp562Val (NM_001354579.2); short protein forms D562V, D626V.
Identifiers: ClinVar variation 2189650 (VCV002189650.1), dbSNP rs1020231215, ClinGen allele CA354820724.
Genomic context (GRCh38, chr3:142,558,632, plus strand): 5'-AGATAGATAGATAAATAAAACAAACCACACACACATTCTTGTGAGCACTTACAATAGCTA[T>A]CTGAAATCCTACAGCTTAATGTTAGAAGATTAGCGGCAAATGTGGTCAACTTTAAACAGC-3'
Protein context (NP_001175.2, residues 616-636): NLLTLSCRIS[Asp626Val]SYSPQAQSRC